The following is an entry in ClinVar:

ClinVar aggregate classification (germline): Uncertain significance. Review status: criteria provided, multiple submitters, no conflicts (2 of 4 stars). 2 submissions from 2 submitters: Uncertain significance (2). Last evaluated 2025-10-14.

Conditions:
Congenital myotonia, autosomal recessive form. Also called: BECKER DISEASE; Becker Generalized Myotonia; myotonia congenita, autosomal recessive. Identifiers: Orphanet 614, MedGen C0751360, MONDO:0009715, OMIM 255700.
Congenital myotonia, autosomal dominant form (THD). Also called: THOMSEN DISEASE; Myotonia congenita autosomal dominant. Identifiers: Orphanet 614, MedGen C2936781, MONDO:0008055, OMIM 160800.

Submissions (2):

Women's Health and Genetics/Laboratory Corporation of America, LabCorp
Classification: Uncertain significance. Last evaluated: 2025-10-14. Review status: criteria provided, single submitter. Criteria: LabCorp Variant Classification Summary - May 2015. Collection method: clinical testing. Allele origin: germline.
Comment: Variant summary: CLCN1 c.1727C>T (p.Ser576Phe) results in a non-conservative amino acid change in the encoded protein sequence. Algorithms developed to predict the effect of missense changes on protein structure and function all suggest that this variant is likely to be disruptive. The variant was absent in 251118 control chromosomes. The available data on variant occurrences in the general population are insufficient to allow any conclusion about variant significance. c.1727C>T has been observed at a heterozygous state in one individual affected with Myotonia congenita (Li_2022). These report(s) do not provide unequivocal conclusions about association of the variant with Myotonia congenita. To our knowledge, no experimental evidence demonstrating an impact on protein function has been reported. The following publication has been ascertained in the context of this evaluation (PMID: 35170402). ClinVar contains an entry for this variant (Variation ID: 1425513). Based on the evidence outlined above, the variant was classified as uncertain significance.

Labcorp Genetics (formerly Invitae), Labcorp
Classification: Uncertain significance for Congenital myotonia, autosomal recessive form; Congenital myotonia, autosomal dominant form. Last evaluated: 2024-02-24. Review status: criteria provided, single submitter. Criteria: Invitae Variant Classification Sherloc (09022015). Collection method: clinical testing. Allele origin: germline.
Comment: This sequence change replaces serine, which is neutral and polar, with phenylalanine, which is neutral and non-polar, at codon 576 of the CLCN1 protein (p.Ser576Phe). This variant is not present in population databases (gnomAD no frequency). This missense change has been observed in individual(s) with nondystrophic myotonia (PMID: 35170402). ClinVar contains an entry for this variant (Variation ID: 1425513). Advanced modeling of protein sequence and biophysical properties (such as structural, functional, and spatial information, amino acid conservation, physicochemical variation, residue mobility, and thermodynamic stability) performed at Invitae indicates that this missense variant is expected to disrupt CLCN1 protein function with a positive predictive value of 95%. In summary, the available evidence is currently insufficient to determine the role of this variant in disease. Therefore, it has been classified as a Variant of Uncertain Significance.

Literature cited by the submitters: PubMed 35170402 (cited by Women's Health and Genetics/Laboratory Corporation of America, LabCorp and Labcorp Genetics (formerly Invitae), Labcorp).

NM_000083.3(CLCN1):c.1727C>T (p.Ser576Phe)

Gene: CLCN1 (chloride voltage-gated channel 1; plus strand). Cytogenetic location: 7q34.
Variant type: single nucleotide variant.
Coding change: c.1727C>T on transcript NM_000083.3 (MANE Select); coding-DNA position 1727, C replaced by T.
Protein change: p.Ser576Phe; replaces serine 576 with phenylalanine.
Molecular consequence: missense variant. On other transcripts: non-coding transcript variant (1).
Genome position (GRCh38, 1-based): chr7:143,342,073, C>T. VCF-style: chr7-143342073-C-T. GRCh37 (hg19) VCF-style: chr7-143039166-C-T.
Other names: short protein forms S576F.
Identifiers: ClinVar variation 1425513 (VCV001425513.7), dbSNP rs143825889, ClinGen allele CA369646645.
Genomic context (GRCh38, chr7:143,342,073, plus strand): 5'-TCCTGCCCATGATGGTGGCTGTTATCTTGGCCAACATGGTGGCCCAGAGCCTGCAGCCCT[C>T]TCTCTATGACAGCATCATCCAGGTCAAGAAGCTACCCTACTTGCCTGACCTTGGCTGGAA-3'
Protein context (NP_000074.3, residues 566-586): ANMVAQSLQP[Ser576Phe]LYDSIIQVKK